The following is an entry in ClinVar:

NM_033004.4(NLRP1):c.2122C>T (p.Gln708Ter)

Gene: NLRP1 (NLR family pyrin domain containing 1; minus strand). Cytogenetic location: 17p13.2.
Variant type: single nucleotide variant.
Coding change: c.2122C>T on transcript NM_033004.4 (MANE Select); coding-DNA position 2122, C replaced by T.
Protein change: p.Gln708Ter; replaces glutamine 708 with a stop codon.
Molecular consequence: nonsense.
Genome position (GRCh38, 1-based): chr17:5,558,574, G>A on the plus strand (C>T on the coding strand, the complement: NLRP1 is on the minus strand). VCF-style: chr17-5558574-G-A. GRCh37 (hg19) VCF-style: chr17-5461894-G-A.
Other names: c.2122C>T, p.Gln708Ter (NM_001033053.3, NM_014922.5, NM_033006.4 and 1 more transcripts); short protein forms Q708*.
Identifiers: ClinVar variation 4847902 (VCV004847902.1).
Genomic context (GRCh38, chr17:5,558,574, plus strand): 5'-TGTTCCGAGTCTCGTACAAGCAGTGGAGGGACTCCAGAGAGTGTGGCTGCAGCAGCAGCT[G>A]CAGGGACGGGACCCACTGCATCAGGTTCCTCCCCTGAGACAGCCGGCAGTGAAAGATGTT-3'

ClinVar aggregate classification (germline): Uncertain significance (1 of 4 stars; one submission).

gnomAD v4.1: 1 of 1,614,092 alleles (0.000062%); highest among the groups gnomAD compares: Non-Finnish European, 0.000085%; no homozygotes.

Submission:

Women's Health and Genetics/Laboratory Corporation of America, LabCorp
Classification: Uncertain significance. Last evaluated: 2026-02-11. Review status: criteria provided, single submitter. Criteria: LabCorp Variant Classification Summary - May 2015. Collection method: clinical testing. Allele origin: germline.
Comment: Variant summary: NLRP1 c.2122C>T (p.Gln708X) results in a premature termination codon, predicted to cause a truncation of the encoded protein or absence of the protein due to nonsense mediated decay, however current evidence is not sufficient to establish loss of function as a mechanism for disease. The variant allele was found at a frequency of 4e-06 in 251376 control chromosomes. The available data on variant occurrences in the general population are insufficient to allow any conclusion about variant significance. To our knowledge, no occurrence of c.2122C>T in individuals affected with NLRP1-related conditions and no experimental evidence demonstrating its impact on protein function have been reported. No submitters have cited clinical-significance assessments for this variant to ClinVar. Based on the evidence outlined above, the variant was classified as uncertain significance.